The following is an entry in ClinVar:

ClinVar aggregate classification (germline): Uncertain significance (1 of 4 stars; one submission).

Allele frequency attached by ClinVar (database versions not stated): ExAC 0.00002; gnomAD 0.00002; gnomAD exomes 0.00002; TOPMed 0.00002.
gnomAD v4.1: 31 of 1,613,982 alleles (0.0019%); highest among the groups gnomAD compares: South Asian, 0.015%; 1 homozygote.

Submission:

Labcorp Genetics (formerly Invitae), Labcorp
Classification: Uncertain significance. Last evaluated: 2025-03-17. Review status: criteria provided, single submitter. Criteria: Invitae Variant Classification Sherloc (09022015). Collection method: clinical testing. Allele origin: germline.
Comment: This sequence change replaces arginine, which is basic and polar, with histidine, which is basic and polar, at codon 566 of the AGAP1 protein (p.Arg566His). This variant is present in population databases (rs780244856, gnomAD 0.02%). This variant has not been reported in the literature in individuals affected with AGAP1-related conditions. ClinVar contains an entry for this variant (Variation ID: 2074677). An algorithm developed to predict the effect of missense changes on protein structure and function (PolyPhen-2) suggests that this variant is likely to be tolerated. In summary, the available evidence is currently insufficient to determine the role of this variant in disease. Therefore, it has been classified as a Variant of Uncertain Significance.

NM_001037131.3(AGAP1):c.1856G>A (p.Arg619His)

Gene: AGAP1 (ArfGAP with GTPase domain, ankyrin repeat and PH domain 1; plus strand). Cytogenetic location: 2q37.2.
Variant type: single nucleotide variant.
Coding change: c.1856G>A on transcript NM_001037131.3 (MANE Select); coding-DNA position 1856, G replaced by A.
Protein change: p.Arg619His; replaces arginine 619 with histidine.
Molecular consequence: missense variant.
Genome position (GRCh38, 1-based): chr2:236,040,806, G>A. VCF-style: chr2-236040806-G-A. GRCh37 (hg19) VCF-style: chr2-236949450-G-A.
Other names: c.1697G>A, p.Arg566His (NM_014914.5); short protein forms R566H, R619H.
Identifiers: ClinVar variation 2074677 (VCV002074677.4), dbSNP rs780244856, ClinGen allele CA2185048.